The following is an entry in ClinVar:

NM_001999.4(FBN2):c.338-7T>G

Gene: FBN2 (fibrillin 2; minus strand). Cytogenetic location: 5q23.3.
Variant type: single nucleotide variant.
Coding change: c.338-7T>G on transcript NM_001999.4 (MANE Select); 7 bases into the intron before coding-DNA position 338, T replaced by G.
Molecular consequence: intron variant.
Genome position (GRCh38, 1-based): chr5:128,530,700, A>C on the plus strand (T>G on the coding strand, the complement: FBN2 is on the minus strand). VCF-style: chr5-128530700-A-C. GRCh37 (hg19) VCF-style: chr5-127866393-A-C.
Identifiers: ClinVar variation 1254292 (VCV001254292.4), dbSNP rs763168964, ClinGen allele CA3396132.
Genomic context (GRCh38, chr5:128,530,700, plus strand): 5'-TACACATGTTAGGACGGGAACAAAATCCATCTCCACAACTATTTCTACAAATCGCTGTAG[A>C]AAGCACAATAGGAAAATGAATGAATAACTATATAATAAACCATAGTTTACAAAACAAGAA-3'

ClinVar aggregate classification (germline): Uncertain significance. Review status: criteria provided, multiple submitters, no conflicts (2 of 4 stars). 2 submissions from 2 submitters: Uncertain significance (2). Last evaluated 2025-12-29.

Conditions:
Congenital contractural arachnodactyly (CCA). Also called: Beals-Hecht syndrome; BEALS SYNDROME; Arthrogryposis, distal, type 9. Identifiers: Orphanet 115, MedGen C0220668, MONDO:0007363, OMIM 121050.

Allele frequency attached by ClinVar (database versions not stated): gnomAD exomes below 0.00001 and 0.00001; ExAC 0.00001; TOPMed 0.00002; gnomAD 0.00003.

Submissions (2):

Labcorp Genetics (formerly Invitae), Labcorp
Classification: Uncertain significance for Congenital contractural arachnodactyly. Last evaluated: 2025-12-29. Review status: criteria provided, single submitter. Criteria: Invitae Variant Classification Sherloc (09022015). Collection method: clinical testing. Allele origin: germline.
Comment: This sequence change falls in intron 2 of the FBN2 gene. It does not directly change the encoded amino acid sequence of the FBN2 protein. This variant is present in population databases (rs763168964, gnomAD 0.007%). This variant has not been reported in the literature in individuals affected with FBN2-related conditions. ClinVar contains an entry for this variant (Variation ID: 1254292). Algorithms developed to predict the effect of sequence changes on RNA splicing suggest that this variant may disrupt the consensus splice site. In summary, the available evidence is currently insufficient to determine the role of this variant in disease. Therefore, it has been classified as a Variant of Uncertain Significance.

GeneDx
Classification: Uncertain significance. Last evaluated: 2021-09-08. Review status: criteria provided, single submitter. Criteria: GeneDx Variant Classification Process June 2021. Collection method: clinical testing. Allele origin: germline. Affected: yes.
Comment: Has not been previously published as pathogenic or benign to our knowledge; Not observed at significant frequency in large population cohorts (Lek et al., 2016); In silico analysis suggests this variant may impact gene splicing. In the absence of RNA/functional studies, the actual effect of this sequence change is unknown.